The following is an entry in ClinVar:

ClinVar aggregate classification (germline): Pathogenic/Likely pathogenic. Review status: criteria provided, multiple submitters, no conflicts (2 of 4 stars). 2 submissions from 2 submitters: Pathogenic (1); Likely pathogenic (1). Last evaluated 2025-05-13.

Conditions:
FAM161A-related disorder. Also called: FAM161A-related condition.

Submissions (2):

Labcorp Genetics (formerly Invitae), Labcorp
Classification: Pathogenic. Last evaluated: 2025-05-13. Review status: criteria provided, single submitter. Criteria: Invitae Variant Classification Sherloc (09022015). Collection method: clinical testing. Allele origin: germline.
Comment: This sequence change creates a premature translational stop signal (p.Leu319Trpfs*10) in the FAM161A gene. It is expected to result in an absent or disrupted protein product. Loss-of-function variants in FAM161A are known to be pathogenic (PMID: 20705278, 20705279, 24651477). This variant is not present in population databases (gnomAD no frequency). This variant has not been reported in the literature in individuals affected with FAM161A-related conditions. ClinVar contains an entry for this variant (Variation ID: 2702698). For these reasons, this variant has been classified as Pathogenic.

Blueprint Genetics
Classification: Likely pathogenic for FAM161A-related disorders. Last evaluated: 2022-11-18. Review status: criteria provided, single submitter. Criteria: ACMG Guidelines, 2015. Collection method: clinical testing. Allele origin: germline. Affected: yes. Observed: 1 variant allele.

Literature cited by the submitters: PubMed 20705278 (cited by Labcorp Genetics (formerly Invitae), Labcorp); PubMed 20705279 (cited by Labcorp Genetics (formerly Invitae), Labcorp); PubMed 24651477 (cited by Labcorp Genetics (formerly Invitae), Labcorp).

NM_001201543.2(FAM161A):c.956del (p.Leu319fs)

Gene: FAM161A (FAM161 centrosomal protein A; minus strand). Cytogenetic location: 2p15.
Variant type: Deletion.
Coding change: c.956del on transcript NM_001201543.2 (MANE Select); coding-DNA position 956, one base deleted (T; older notation c.956delT).
Protein change: p.Leu319fs; shifts the reading frame from leucine 319.
Molecular consequence: frameshift variant. On other transcripts: non-coding transcript variant (1).
Genome position (GRCh38, 1-based): chr2:61,840,048, A deleted on the plus strand (T on the coding strand, the reverse complement: FAM161A is on the minus strand); the first of 4 consecutive A bases (chr2:61,840,048-61,840,051); deleting any one gives the same sequence. VCF-style (leftmost placement, unchanged base first): chr2-61840047-CA-C. GRCh37 (hg19) VCF-style: chr2-62067182-CA-C.
Other names: c.956del, p.Leu319fs (NM_032180.3); short protein forms L319fs.
Identifiers: ClinVar variation 2702698 (VCV002702698.4), dbSNP rs2466025841, ClinGen allele CA2697548200.